The following is an entry in ClinVar:

ClinVar aggregate classification (germline): Uncertain significance (1 of 4 stars; one submission).

Submission:

Labcorp Genetics (formerly Invitae), Labcorp
Classification: Uncertain significance. Last evaluated: 2023-05-20. Review status: criteria provided, single submitter. Criteria: Invitae Variant Classification Sherloc (09022015). Collection method: clinical testing. Allele origin: germline.
Comment: In summary, the available evidence is currently insufficient to determine the role of this variant in disease. Therefore, it has been classified as a Variant of Uncertain Significance. Advanced modeling of protein sequence and biophysical properties (such as structural, functional, and spatial information, amino acid conservation, physicochemical variation, residue mobility, and thermodynamic stability) performed at Invitae indicates that this missense variant is not expected to disrupt DCHS1 protein function. This variant has not been reported in the literature in individuals affected with DCHS1-related conditions. This variant is not present in population databases (gnomAD no frequency). This sequence change replaces proline, which is neutral and non-polar, with serine, which is neutral and polar, at codon 380 of the DCHS1 protein (p.Pro380Ser).

NM_003737.4(DCHS1):c.1138C>T (p.Pro380Ser)

Gene: DCHS1 (dachsous cadherin-related 1; minus strand). Cytogenetic location: 11p15.4.
Variant type: single nucleotide variant.
Coding change: c.1138C>T on transcript NM_003737.4 (MANE Select); coding-DNA position 1138, C replaced by T.
Protein change: p.Pro380Ser; replaces proline 380 with serine.
Molecular consequence: missense variant.
Genome position (GRCh38, 1-based): chr11:6,640,476, G>A on the plus strand (C>T on the coding strand, the complement: DCHS1 is on the minus strand). VCF-style: chr11-6640476-G-A. GRCh37 (hg19) VCF-style: chr11-6661707-G-A.
Other names: short protein forms P380S.
Identifiers: ClinVar variation 2866318 (VCV002866318.3), dbSNP rs771085471, ClinGen allele CA217302948.